The following is an entry in ClinVar:

ClinVar aggregate classification (germline): Conflicting classifications of pathogenicity. Review status: criteria provided, conflicting classifications (1 of 4 stars). 3 submissions from 3 submitters: Uncertain significance (2); Benign (1). Last evaluated 2025-10-20.

Conditions:
Inborn genetic diseases. Identifiers: MedGen C0950123, MeSH D030342.

Allele frequency attached by ClinVar (database versions not stated): gnomAD 0.00001; gnomAD exomes 0.00001 and 0.00002; TOPMed 0.00001.

Submissions (3):

Labcorp Genetics (formerly Invitae), Labcorp
Classification: Benign. Last evaluated: 2025-10-20. Review status: criteria provided, single submitter. Criteria: Invitae Variant Classification Sherloc (09022015). Collection method: clinical testing. Allele origin: germline.

Women's Health and Genetics/Laboratory Corporation of America, LabCorp
Classification: Uncertain significance. Last evaluated: 2025-06-09. Review status: criteria provided, single submitter. Criteria: LabCorp Variant Classification Summary - May 2015. Collection method: clinical testing. Allele origin: germline.
Comment: Variant summary: ZSWIM6 c.2107C>T (p.Arg703Cys) results in a non-conservative amino acid change in the encoded protein sequence. Algorithms developed to predict the effect of missense changes on protein structure and function all suggest that this variant is likely to be disruptive. The variant allele was found at a frequency of 6.4e-06 in 156118 control chromosomes. The available data on variant occurrences in the general population are insufficient to allow any conclusion about variant significance. To our knowledge, no occurrence of c.2107C>T in individuals affected with ZSWIM6-Related Disorders and no experimental evidence demonstrating its impact on protein function have been reported. ClinVar contains an entry for this variant (Variation ID: 1414377). Based on the evidence outlined above, the variant was classified as uncertain significance.

Ambry Genetics
Classification: Uncertain significance for Inborn genetic diseases. Last evaluated: 2025-01-17. Review status: criteria provided, single submitter. Criteria: Ambry Variant Classification Scheme 2023. Collection method: clinical testing. Allele origin: germline.

NM_020928.2(ZSWIM6):c.2107C>T (p.Arg703Cys)

Gene: ZSWIM6 (zinc finger SWIM-type containing 6; plus strand). Cytogenetic location: 5q12.1.
Variant type: single nucleotide variant.
Coding change: c.2107C>T on transcript NM_020928.2 (MANE Select); coding-DNA position 2107, C replaced by T.
Protein change: p.Arg703Cys; replaces arginine 703 with cysteine.
Molecular consequence: missense variant.
Genome position (GRCh38, 1-based): chr5:61,531,587, C>T. VCF-style: chr5-61531587-C-T. GRCh37 (hg19) VCF-style: chr5-60827414-C-T.
Other names: c.2107C>T (NM_020928.1); short protein forms R703C.
Identifiers: ClinVar variation 1414377 (VCV001414377.8), dbSNP rs780828160, ClinGen allele CA119663032.
Genomic context (GRCh38, chr5:61,531,587, plus strand): 5'-GAAGGGGAATCCTATTTAACGCTGGCTGTGGAAGTAGCCCTGATAGGGCTAGGACAGCAG[C>T]GTATCATGCCTGATGGGCTGTACACACAAGAGAAAGTTTGCCGGAATGAGGAGCAGCTCA-3'
Protein context (NP_065979.1, residues 693-713): EVALIGLGQQ[Arg703Cys]IMPDGLYTQE